The following is an entry in ClinVar:

ClinVar aggregate classification (germline): Uncertain significance (1 of 4 stars; one submission).

Conditions:
Symmetrical dyschromatosis of extremities (DSH). Also called: DYSCHROMATOSIS SYMMETRICA HEREDITARIA 1; RETICULATE ACROPIGMENTATION OF DOHI; SYMMETRIC DYSCHROMATOSIS OF THE EXTREMITIES; Dyschromatosis symmetrica hereditaria. Identifiers: Orphanet 41, MedGen C0406775, MONDO:0007483, OMIM 127400.
Aicardi-Goutieres syndrome 6 (AGS6). Identifiers: Orphanet 51, MedGen C3539013, MONDO:0014007, OMIM 615010.

gnomAD v4.1: 18 of 1,614,096 alleles (0.0011%); highest among the groups gnomAD compares: East Asian, 0.0045%; no homozygotes.

Submission:

Labcorp Genetics (formerly Invitae), Labcorp
Classification: Uncertain significance for Aicardi-Goutieres syndrome 6; Symmetrical dyschromatosis of extremities. Last evaluated: 2024-07-31. Review status: criteria provided, single submitter. Criteria: Invitae Variant Classification Sherloc (09022015). Collection method: clinical testing. Allele origin: germline.
Comment: This sequence change replaces isoleucine, which is neutral and non-polar, with valine, which is neutral and non-polar, at codon 1080 of the ADAR protein (p.Ile1080Val). This variant is present in population databases (rs770037708, gnomAD 0.002%). This variant has not been reported in the literature in individuals affected with ADAR-related conditions. Advanced modeling of protein sequence and biophysical properties (such as structural, functional, and spatial information, amino acid conservation, physicochemical variation, residue mobility, and thermodynamic stability) performed at Invitae indicates that this missense variant is not expected to disrupt ADAR protein function with a negative predictive value of 80%. In summary, the available evidence is currently insufficient to determine the role of this variant in disease. Therefore, it has been classified as a Variant of Uncertain Significance.

NM_001111.5(ADAR):c.3238A>G (p.Ile1080Val)

Gene: ADAR (adenosine deaminase RNA specific; minus strand). Cytogenetic location: 1q21.3.
Variant type: single nucleotide variant.
Coding change: c.3238A>G on transcript NM_001111.5 (MANE Select); coding-DNA position 3238, A replaced by G.
Protein change: p.Ile1080Val; replaces isoleucine 1080 with valine.
Molecular consequence: missense variant.
Genome position (GRCh38, 1-based): chr1:154,585,830, T>C on the plus strand (A>G on the coding strand, the complement: ADAR is on the minus strand). VCF-style: chr1-154585830-T-C. GRCh37 (hg19) VCF-style: chr1-154558306-T-C.
Other names: c.3103A>G, p.Ile1035Val (NM_015841.4); c.2353A>G, p.Ile785Val (NM_001025107.3, NM_001193495.2, NM_001365046.1 and 2 more transcripts); c.3265A>G, p.Ile1089Val (NM_001365045.1); c.2275A>G, p.Ile759Val (NM_001365049.1); c.3160A>G, p.Ile1054Val (NM_015840.4); short protein forms I1035V, I1054V, I1080V, I1089V, I759V, I785V.
Identifiers: ClinVar variation 3748178 (VCV003748178.2).